The following is an entry in ClinVar:

ClinVar aggregate classification (germline): Uncertain significance (1 of 4 stars; one submission).

Conditions:
COG4-congenital disorder of glycosylation. Also called: CONGENITAL DISORDER OF GLYCOSYLATION, TYPE IIj; CDG IIj; COG4-CDG. Identifiers: Orphanet 263501, MedGen C4303552, MONDO:0013281, OMIM 613489.

Allele frequency attached by ClinVar (database versions not stated): ExAC 0.00001; gnomAD exomes 0.00001.

Submission:

Labcorp Genetics (formerly Invitae), Labcorp
Classification: Uncertain significance for COG4-congenital disorder of glycosylation. Last evaluated: 2021-02-13. Review status: criteria provided, single submitter. Criteria: Invitae Variant Classification Sherloc (09022015). Collection method: clinical testing. Allele origin: germline.
Comment: This sequence change replaces arginine with histidine at codon 375 of the COG4 protein (p.Arg375His). The arginine residue is highly conserved and there is a small physicochemical difference between arginine and histidine. In summary, the available evidence is currently insufficient to determine the role of this variant in disease. Therefore, it has been classified as a Variant of Uncertain Significance. Algorithms developed to predict the effect of missense changes on protein structure and function (SIFT, PolyPhen-2, Align-GVGD) all suggest that this variant is likely to be disruptive, but these predictions have not been confirmed by published functional studies and their clinical significance is uncertain. This variant has not been reported in the literature in individuals with COG4-related conditions. This variant is present in population databases (rs762087790, ExAC 0.009%).

NM_015386.3(COG4):c.1124G>A (p.Arg375His)

Gene: COG4 (component of oligomeric golgi complex 4; minus strand). Cytogenetic location: 16q22.1.
Variant type: single nucleotide variant.
Coding change: c.1124G>A on transcript NM_015386.3 (MANE Select); coding-DNA position 1124, G replaced by A.
Protein change: p.Arg375His; replaces arginine 375 with histidine.
Molecular consequence: missense variant. On other transcripts: non-coding transcript variant (1).
Genome position (GRCh38, 1-based): chr16:70,501,029, C>T on the plus strand (G>A on the coding strand, the complement: COG4 is on the minus strand). VCF-style: chr16-70501029-C-T. GRCh37 (hg19) VCF-style: chr16-70534932-C-T.
Other names: c.1112G>A, p.Arg371His (NM_001195139.2); c.698G>A, p.Arg233His (NM_001365426.1); short protein forms R371H, R233H, R375H.
Identifiers: ClinVar variation 1366494 (VCV001366494.8), dbSNP rs762087790, ClinGen allele CA8144432.